The following is an entry in ClinVar:

ClinVar aggregate classification (germline): Benign/Likely benign. Review status: criteria provided, multiple submitters, no conflicts (2 of 4 stars). 5 submissions from 5 submitters: Benign (4); Likely benign (1). Last evaluated 2026-01-26.

Conditions:
Glycogen storage disease due to muscle and heart glycogen synthase deficiency. Also called: GSD 0b; MUSCLE GLYCOGEN SYNTHASE DEFICIENCY. Identifiers: Orphanet 137625, MedGen C1969054, MONDO:0012693, OMIM 611556.

Allele frequency attached by ClinVar (database versions not stated): TOPMed 0.00472; 1000 Genomes Project 0.00539; 1000 Genomes Project 30x 0.00640; ESP Exome Variant Server 0.00646.
gnomAD v4.1: 1,399 of 1,613,960 alleles (0.087%); highest among the groups gnomAD compares: African/African-American, 1.6%; 9 homozygotes.

Submissions (5):

Labcorp Genetics (formerly Invitae), Labcorp
Classification: Benign for Glycogen storage disease due to muscle and heart glycogen synthase deficiency. Last evaluated: 2026-01-26. Review status: criteria provided, single submitter. Criteria: Invitae Variant Classification Sherloc (09022015). Collection method: clinical testing. Allele origin: germline.

Mayo Clinic Laboratories, Mayo Clinic
Classification: Benign. Last evaluated: 2023-08-23. Review status: criteria provided, single submitter. Criteria: ACMG Guidelines, 2015. Collection method: clinical testing. Allele origin: germline. Observed: 7 variant alleles.

Illumina Laboratory Services, Illumina
Classification: Benign for Glycogen storage disease due to muscle and heart glycogen synthase deficiency. Last evaluated: 2017-04-28. Review status: criteria provided, single submitter. Criteria: ICSL Variant Classification Criteria 13 December 2019. Collection method: clinical testing. Allele origin: germline.
Comment: This variant was observed as part of a predisposition screen in an ostensibly healthy population. A literature search was performed for the gene, cDNA change, and amino acid change (where applicable). No publications were found based on this search. Allele frequency data from public databases was too high to be consistent with this variant causing disease. Therefore, this variant is classified as benign.

GeneDx
Classification: Benign. Last evaluated: 2016-11-14. Review status: criteria provided, single submitter. Criteria: GeneDx Variant Classification (06012015). Collection method: clinical testing. Allele origin: germline. Affected: yes.
Comment: This variant is considered likely benign or benign based on one or more of the following criteria: it is a conservative change, it occurs at a poorly conserved position in the protein, it is predicted to be benign by multiple in silico algorithms, and/or has population frequency not consistent with disease.

Breakthrough Genomics
Classification: Likely benign. Review status: criteria provided, single submitter. Criteria: ACMG Guidelines, 2015. Collection method: not provided. Allele origin: germline. Inheritance: Autosomal recessive inheritance. Affected: yes.

NM_002103.5(GYS1):c.1749C>A (p.Ile583=)

Gene: GYS1 (glycogen synthase 1; minus strand). Cytogenetic location: 19q13.33.
Variant type: single nucleotide variant.
Coding change: c.1749C>A on transcript NM_002103.5 (MANE Select); coding-DNA position 1749, C replaced by A.
Protein change: p.Ile583=; no amino-acid change (isoleucine 583 retained).
Molecular consequence: synonymous variant. On other transcripts: non-coding transcript variant (1).
Genome position (GRCh38, 1-based): chr19:48,970,606, G>T on the plus strand (C>A on the coding strand, the complement: GYS1 is on the minus strand). VCF-style: chr19-48970606-G-T. GRCh37 (hg19) VCF-style: chr19-49473863-G-T.
Other names: p.Ile583=; c.1557C>A, p.Ile519= (NM_001161587.2).
Identifiers: ClinVar variation 369285 (VCV000369285.18), dbSNP rs146698792, ClinGen allele CA9562851.